The following is an entry in ClinVar:

ClinVar aggregate classification (germline): Uncertain significance. Review status: criteria provided, multiple submitters, no conflicts (2 of 4 stars). 3 submissions from 3 submitters: Uncertain significance (3). Last evaluated 2025-02-27.

Conditions:
Inborn genetic diseases. Identifiers: MedGen C0950123, MeSH D030342.
Charcot-Marie-Tooth disease axonal type 2V. Also called: CHARCOT-MARIE-TOOTH NEUROPATHY, TYPE 2V; CHARCOT-MARIE-TOOTH DISEASE, AXONAL, AUTOSOMAL DOMINANT, TYPE 2V. Identifiers: Orphanet 447964, MedGen C5569050, MONDO:0014665, OMIM 616491.
Mucopolysaccharidosis, MPS-III-B (MPS3B). Also called: Mucopolysaccharidosis type IIIB (Sanfilippo B); MPS IIIB (Sanfilippo Syndrome Type B); MPS III B; N-ACETYL-ALPHA-D-GLUCOSAMINIDASE DEFICIENCY; NAGLU DEFICIENCY; MUCOPOLYSACCHARIDOSIS, TYPE IIIB. Identifiers: Orphanet 79270, MedGen C0086648, MONDO:0009656, OMIM 252920.

Allele frequency attached by ClinVar (database versions not stated): gnomAD 0.00005 and 0.00006; gnomAD exomes 0.00006 and 0.00003; ExAC 0.00007; TOPMed 0.00004.
gnomAD v4.1: 58 of 1,605,978 alleles (0.0036%); highest among the groups gnomAD compares: East Asian, 0.047%; 1 homozygote.

Submissions (3):

Ambry Genetics
Classification: Uncertain significance for Inborn genetic diseases. Last evaluated: 2025-02-27. Review status: criteria provided, single submitter. Criteria: Ambry Variant Classification Scheme 2023. Collection method: clinical testing. Allele origin: germline.

Labcorp Genetics (formerly Invitae), Labcorp
Classification: Uncertain significance for Charcot-Marie-Tooth disease axonal type 2V; Mucopolysaccharidosis, MPS-III-B. Last evaluated: 2021-08-27. Review status: criteria provided, single submitter. Criteria: Invitae Variant Classification Sherloc (09022015). Collection method: clinical testing. Allele origin: germline.
Comment: This sequence change replaces aspartic acid with asparagine at codon 636 of the NAGLU protein (p.Asp636Asn). The aspartic acid residue is weakly conserved and there is a small physicochemical difference between aspartic acid and asparagine. This variant is present in population databases (rs375068243, ExAC 0.05%). This variant has not been reported in the literature in individuals affected with NAGLU-related conditions. ClinVar contains an entry for this variant (Variation ID: 323305). Algorithms developed to predict the effect of missense changes on protein structure and function (SIFT, PolyPhen-2, Align-GVGD) all suggest that this variant is likely to be tolerated. In summary, the available evidence is currently insufficient to determine the role of this variant in disease. Therefore, it has been classified as a Variant of Uncertain Significance.

Illumina Laboratory Services, Illumina
Classification: Uncertain significance for Mucopolysaccharidosis, MPS-III-B. Last evaluated: 2018-01-13. Review status: criteria provided, single submitter. Criteria: ICSL Variant Classification Criteria 13 December 2019. Collection method: clinical testing. Allele origin: germline.

NM_000263.4(NAGLU):c.1906G>A (p.Asp636Asn)

Gene: NAGLU (N-acetyl-alpha-glucosaminidase; plus strand). Cytogenetic location: 17q21.2.
Variant type: single nucleotide variant.
Coding change: c.1906G>A on transcript NM_000263.4 (MANE Select); coding-DNA position 1906, G replaced by A.
Protein change: p.Asp636Asn; replaces aspartic acid 636 with asparagine.
Molecular consequence: missense variant.
Genome position (GRCh38, 1-based): chr17:42,543,912, G>A. VCF-style: chr17-42543912-G-A. GRCh37 (hg19) VCF-style: chr17-40695930-G-A.
Other names: short protein forms D636N.
Identifiers: ClinVar variation 323305 (VCV000323305.7), dbSNP rs375068243, ClinGen allele CA8577119.